The following is an entry in ClinVar:

ClinVar aggregate classification (germline): Uncertain significance. Review status: criteria provided, multiple submitters, no conflicts (2 of 4 stars). 2 submissions from 2 submitters: Uncertain significance (2). Last evaluated 2025-08-19.

Conditions:
Hereditary nonpolyposis colorectal neoplasms. Identifiers: MedGen C0009405, MeSH D003123.
Hereditary cancer-predisposing syndrome. Also called: Tumor predisposition; Hereditary Cancer Syndrome; Hereditary neoplastic syndrome; Neoplastic Syndromes, Hereditary. Identifiers: Orphanet 140162, MedGen C0027672, MeSH D009386, MONDO:0015356.

Allele frequency attached by ClinVar (database versions not stated): gnomAD exomes below 0.00001.
gnomAD v4.1: 1 of 1,599,320 alleles (0.000063%); highest among the groups gnomAD compares: Non-Finnish European, 0.000086%; no homozygotes.

Submissions (2):

Ambry Genetics
Classification: Uncertain significance for Hereditary cancer-predisposing syndrome. Last evaluated: 2025-08-19. Review status: criteria provided, single submitter. Criteria: Ambry Variant Classification Scheme 2023. Collection method: clinical testing. Allele origin: germline.
Comment: The p.F320C variant (also known as c.959T>G), located in coding exon 9 of the PMS2 gene, results from a T to G substitution at nucleotide position 959. The phenylalanine at codon 320 is replaced by cysteine, an amino acid with highly dissimilar properties. This amino acid position is well conserved in available vertebrate species. In addition, this alteration is predicted to be deleterious by in silico analysis. Based on the available evidence, the clinical significance of this variant remains unclear.

Labcorp Genetics (formerly Invitae), Labcorp
Classification: Uncertain significance for Hereditary nonpolyposis colorectal neoplasms. Last evaluated: 2016-11-02. Review status: criteria provided, single submitter. Criteria: Invitae Variant Classification Sherloc (09022015). Collection method: clinical testing. Allele origin: germline.
Comment: In summary, this variant is a novel missense change that is not predicted to affect protein function. There is no indication that it causes disease, but the available evidence is currently insufficient to prove that conclusively. Therefore, it has been classified as a Variant of Uncertain Significance. Algorithms developed to predict the effect of missense changes on protein structure and function output the following: (SIFT: "Deleterious"; PolyPhen-2: "Possibly Damaging"; Align-GVGD: "Class C65"). The cysteine amino acid residue is found in multiple mammalian species, suggesting that this missense change does not adversely affect protein function. These predictions have not been confirmed by published functional studies. This variant is not present in population databases (ExAC no frequency) and has not been reported in the literature in individuals with a PMS2-related disease. This sequence change replaces phenylalanine with cysteine at codon 320 of the PMS2 protein (p.Phe320Cys). The phenylalanine residue is highly conserved and there is a large physicochemical difference between phenylalanine and cysteine.

NM_000535.7(PMS2):c.959T>G (p.Phe320Cys)

Gene: PMS2 (PMS1 homolog 2, mismatch repair system component; minus strand). Cytogenetic location: 7p22.1.
Variant type: single nucleotide variant.
Coding change: c.959T>G on transcript NM_000535.7 (MANE Select); coding-DNA position 959, T replaced by G.
Protein change: p.Phe320Cys; replaces phenylalanine 320 with cysteine.
Molecular consequence: missense variant. On other transcripts: non-coding transcript variant (1).
Genome position (GRCh38, 1-based): chr7:5,992,002, A>C on the plus strand (T>G on the coding strand, the complement: PMS2 is on the minus strand). VCF-style: chr7-5992002-A-C. GRCh37 (hg19) VCF-style: chr7-6031633-A-C.
Other names: c.554T>G, p.Phe185Cys (NM_001322003.2, NM_001322004.2, NM_001322005.2 and 2 more transcripts); c.959T>G, p.Phe320Cys (NM_001322006.2, NM_001322014.2); c.641T>G, p.Phe214Cys (NM_001322007.2, NM_001322008.2); c.26T>G, p.Phe9Cys (NM_001322011.2, NM_001322012.2); c.386T>G, p.Phe129Cys (NM_001322013.2); c.650T>G, p.Phe217Cys (NM_001322015.2); short protein forms F320C, F217C, F185C, F9C, F129C, F214C.
Identifiers: ClinVar variation 411035 (VCV000411035.13), dbSNP rs1060503121, ClinGen allele CA16612225.